The following is an entry in ClinVar:

ClinVar aggregate classification (germline): Uncertain significance (1 of 4 stars; one submission).

Allele frequency attached by ClinVar (database versions not stated): TOPMed below 0.00001; gnomAD 0.00001.

Submission:

Labcorp Genetics (formerly Invitae), Labcorp
Classification: Uncertain significance. Last evaluated: 2024-04-25. Review status: criteria provided, single submitter. Criteria: Invitae Variant Classification Sherloc (09022015). Collection method: clinical testing. Allele origin: germline.
Comment: This sequence change replaces tyrosine, which is neutral and polar, with histidine, which is basic and polar, at codon 87 of the MAK protein (p.Tyr87His). This variant is not present in population databases (gnomAD no frequency). This variant has not been reported in the literature in individuals affected with MAK-related conditions. ClinVar contains an entry for this variant (Variation ID: 2077820). Advanced modeling of protein sequence and biophysical properties (such as structural, functional, and spatial information, amino acid conservation, physicochemical variation, residue mobility, and thermodynamic stability) performed at Invitae indicates that this missense variant is expected to disrupt MAK protein function with a positive predictive value of 80%. In summary, the available evidence is currently insufficient to determine the role of this variant in disease. Therefore, it has been classified as a Variant of Uncertain Significance.

NM_001242957.3(MAK):c.259T>C (p.Tyr87His)

Gene: MAK (male germ cell associated kinase; minus strand). Cytogenetic location: 6p24.2.
Variant type: single nucleotide variant.
Coding change: c.259T>C on transcript NM_001242957.3 (MANE Select); coding-DNA position 259, T replaced by C.
Protein change: p.Tyr87His; replaces tyrosine 87 with histidine.
Molecular consequence: missense variant. On other transcripts: non-coding transcript variant (2).
Genome position (GRCh38, 1-based): chr6:10,817,869, A>G on the plus strand (T>C on the coding strand, the complement: MAK is on the minus strand). VCF-style: chr6-10817869-A-G. GRCh37 (hg19) VCF-style: chr6-10818102-A-G.
Other names: c.259T>C, p.Tyr87His (NM_001242385.2, NM_005906.6); c.157T>C, p.Tyr53His (NM_001377262.1); short protein forms Y53H, Y87H.
Identifiers: ClinVar variation 2077820 (VCV002077820.3), dbSNP rs1337021719, ClinGen allele CA362721287.
Genomic context (GRCh38, chr6:10,817,869, plus strand): 5'-CATGGAGAGAATAACAGGGAAAAACATGAATAAAAACATACCTGTCTTTCATTAATTGAT[A>G]GAGGTTTTCTTTCATATATTCAAATATAAAATAAAGATGGTCATTTTCTCTGATAACTTC-3'
Protein context (NP_001229886.1, residues 77-97): FIFEYMKENL[Tyr87His]QLMKDRNKLF